The following is an entry in ClinVar:

ClinVar aggregate classification (germline): Uncertain significance (1 of 4 stars; one submission).

Submission:

Labcorp Genetics (formerly Invitae), Labcorp
Classification: Uncertain significance. Last evaluated: 2019-12-31. Review status: criteria provided, single submitter. Criteria: Invitae Variant Classification Sherloc (09022015). Collection method: clinical testing. Allele origin: germline.
Comment: In summary, the available evidence is currently insufficient to determine the role of this variant in disease. Therefore, it has been classified as a Variant of Uncertain Significance. This variant is not present in population databases (ExAC no frequency). Algorithms developed to predict the effect of missense changes on protein structure and function output the following: SIFT: "Deleterious"; PolyPhen-2: "Benign"; Align-GVGD: "Class C0". The leucine amino acid residue is found in multiple mammalian species, suggesting that this missense change does not adversely affect protein function. These predictions have not been confirmed by published functional studies and their clinical significance is uncertain. This variant has not been reported in the literature in individuals with CACNA1F-related conditions. This sequence change replaces proline with leucine at codon 12 of the CACNA1F protein (p.Pro12Leu). The proline residue is moderately conserved and there is a moderate physicochemical difference between proline and leucine.

NM_001256789.3(CACNA1F):c.35C>T (p.Pro12Leu)

Gene: CACNA1F (calcium voltage-gated channel subunit alpha1 F; minus strand). Cytogenetic location: Xp11.23.
Variant type: single nucleotide variant.
Coding change: c.35C>T on transcript NM_001256789.3 (MANE Select); coding-DNA position 35, C replaced by T.
Protein change: p.Pro12Leu; replaces proline 12 with leucine.
Molecular consequence: missense variant. On other transcripts: intron variant (1).
Genome position (GRCh38, 1-based): chrX:49,231,918, G>A on the plus strand (C>T on the coding strand, the complement: CACNA1F is on the minus strand). VCF-style: chrX-49231918-G-A. GRCh37 (hg19) VCF-style: chrX-49088380-G-A.
Other names: c.35C>T, p.Pro12Leu (NM_005183.4); c.66-226C>T (NM_001256790.3); short protein forms P12L.
Identifiers: ClinVar variation 860068 (VCV000860068.10), dbSNP rs2065883185, ClinGen allele CA412928773.
Genomic context (GRCh38, chrX:49,231,918, plus strand): 5'-GGCCCGGGGCACAGCCCCCATTCGGGACCAGGGCCTGCCCCATTGGCTGGACTGGGCTCT[G>A]GGGTGGTGTCTATATGGAGAAACTGTGTCAGGGAGGGACAGGGTATTGGGGCAATTGTGG-3'
Protein context (NP_001243718.1, residues 2-22): SESEGGKDTT[Pro12Leu]EPSPANGAGP